The following is an entry in ClinVar:

ClinVar aggregate classification (germline): Uncertain significance (1 of 4 stars; one submission).

Conditions:
Brugada syndrome 4 (BRGDA4). Identifiers: Orphanet 130, MedGen C2678477, MONDO:0012743, OMIM 611876.

Submission:

Juno Genomics, Hangzhou Juno Genomics, Inc
Classification: Uncertain significance for Brugada syndrome 4. Review status: criteria provided, single submitter. Criteria: ACMG Guidelines, 2015. Collection method: clinical testing. Allele origin: germline. Affected: yes.
Comment: Absent from controls (or at extremely low frequency if recessive) in Genome Aggregation Database, Exome Sequencing Project, 1000 Genomes Project, or Exome Aggregation Consortium.;Multiple lines of computational evidence support a deleterious effect on the gene or gene product (conservation, evolutionary, splicing impact, etc).

NM_201596.3(CACNB2):c.512G>A (p.Gly171Glu)

Gene: CACNB2 (calcium voltage-gated channel auxiliary subunit beta 2; plus strand). Cytogenetic location: 10p12.31.
Variant type: single nucleotide variant.
Coding change: c.512G>A on transcript NM_201596.3 (MANE Select); coding-DNA position 512, G replaced by A.
Protein change: p.Gly171Glu; replaces glycine 171 with glutamic acid.
Molecular consequence: missense variant.
Genome position (GRCh38, 1-based): chr10:18,500,867, G>A. VCF-style: chr10-18500867-G-A. GRCh37 (hg19) VCF-style: chr10-18789796-G-A.
Other names: c.347G>A, p.Gly116Glu (NM_000724.4, NM_001330060.2); c.428G>A, p.Gly143Glu (NM_001167945.2, NM_201571.4, NM_201572.4); c.368G>A, p.Gly123Glu (NM_001410882.1, NM_201570.3); c.350G>A, p.Gly117Glu (NM_201590.3); c.512G>A, p.Gly171Glu (NM_201593.3, NM_201597.3); short protein forms G116E, G117E, G123E, G143E, G171E.
Identifiers: ClinVar variation 3767104 (VCV003767104.2).